The following is an entry in ClinVar:

ClinVar aggregate classification (germline): Uncertain significance (1 of 4 stars; one submission).

Conditions:
Gamma-aminobutyric acid transaminase deficiency (GABATD). Also called: GABA aminotransaminase deficiency; GABA transaminase deficiency; Gamma aminobutyrate transaminase deficiency; 4 alpha aminobutyrate transaminase deficiency. Identifiers: Orphanet 2066, MedGen C0342708, MONDO:0013166, OMIM 613163.

Submission:

Labcorp Genetics (formerly Invitae), Labcorp
Classification: Uncertain significance for Gamma-aminobutyric acid transaminase deficiency. Last evaluated: 2022-04-20. Review status: criteria provided, single submitter. Criteria: Invitae Variant Classification Sherloc (09022015). Collection method: clinical testing. Allele origin: germline.
Comment: In summary, the available evidence is currently insufficient to determine the role of this variant in disease. Therefore, it has been classified as a Variant of Uncertain Significance. Algorithms developed to predict the effect of missense changes on protein structure and function are either unavailable or do not agree on the potential impact of this missense change (SIFT: "Deleterious"; PolyPhen-2: "Probably Damaging"; Align-GVGD: "Class C0"). This variant has not been reported in the literature in individuals affected with ABAT-related conditions. This variant is not present in population databases (gnomAD no frequency). This sequence change replaces glycine, which is neutral and non-polar, with valine, which is neutral and non-polar, at codon 320 of the ABAT protein (p.Gly320Val).

NM_020686.6(ABAT):c.959G>T (p.Gly320Val)

Gene: ABAT (4-aminobutyrate aminotransferase; plus strand). Cytogenetic location: 16p13.2.
Variant type: single nucleotide variant.
Coding change: c.959G>T on transcript NM_020686.6 (MANE Select); coding-DNA position 959, G replaced by T.
Protein change: p.Gly320Val; replaces glycine 320 with valine.
Molecular consequence: missense variant.
Genome position (GRCh38, 1-based): chr16:8,774,894, G>T. VCF-style: chr16-8774894-G-T. GRCh37 (hg19) VCF-style: chr16-8868751-G-T.
Other names: c.959G>T, p.Gly320Val (NM_000663.5, NM_001127448.2, NM_001386600.1 and 6 more transcripts); c.920G>T, p.Gly307Val (NM_001386605.1); c.896G>T, p.Gly299Val (NM_001386606.1, NM_001386607.1); c.866G>T, p.Gly289Val (NM_001386608.1); c.824G>T, p.Gly275Val (NM_001386610.1, NM_001386611.1); c.761G>T, p.Gly254Val (NM_001386612.1, NM_001386613.1); c.713G>T, p.Gly238Val (NM_001386614.1); c.1055G>T, p.Gly352Val (NM_001386615.1); short protein forms G352V, G254V, G275V, G289V, G299V, G320V, G238V, G307V.
Identifiers: ClinVar variation 2116491 (VCV002116491.4), dbSNP rs1250745987, ClinGen allele CA394689746.
Genomic context (GRCh38, chr16:8,774,894, plus strand): 5'-GAATTTCTGGCCTCCCACGGGTGTTTATTTCTCCCTCCTCTCTCTTCTCCGGCCAGCATG[G>T]CTGCGCCTTCTTGGTGGACGAGGTCCAGACCGGAGGAGGCTGCACGGGCAAGTTCTGGGC-3'
Protein context (NP_065737.2, residues 310-330): RKLRDIARKH[Gly320Val]CAFLVDEVQT